The following is an entry in ClinVar:

NM_001127222.2(CACNA1A):c.1539G>A (p.Trp513Ter)

Gene: CACNA1A (calcium voltage-gated channel subunit alpha1 A; minus strand). Cytogenetic location: 19p13.13.
Variant type: single nucleotide variant.
Coding change: c.1539G>A on transcript NM_001127222.2 (MANE Select); coding-DNA position 1539, G replaced by A.
Protein change: p.Trp513Ter; replaces tryptophan 513 with a stop codon.
Molecular consequence: nonsense.
Genome position (GRCh38, 1-based): chr19:13,317,128, C>T on the plus strand (G>A on the coding strand, the complement: CACNA1A is on the minus strand). VCF-style: chr19-13317128-C-T. GRCh37 (hg19) VCF-style: chr19-13427942-C-T.
Other names: NP_001120694.1:p.(Trp513Ter); c.1542G>A, p.Trp514Ter (NM_000068.4, NM_001127221.2, NM_001174080.2 and 1 more transcripts); short protein forms W513*, W514*.
Identifiers: ClinVar variation 4851549 (VCV004851549.1).
Genomic context (GRCh38, chr19:13,317,128, plus strand): 5'-GAGGGATCAGGGAGTTGGCAGGGGTGGGGCTGGGTGATACTCACAAAGGAAGTCGGAGAG[C>T]CACTCGGGCTGGTTGTAGTGAACAATAGCAACACACAGCGTGTTGAGAGCTACCAAACTG-3'

ClinVar aggregate classification (germline): Pathogenic (1 of 4 stars; one submission).

Conditions:
Developmental and epileptic encephalopathy. Identifiers: MedGen C5779964, MONDO:0100620.

Submission:

Unidad de Genómica Garrahan, Hospital de Pediatría Garrahan
Classification: Pathogenic for Developmental and epileptic encephalopathy. Last evaluated: 2024-01-01. Review status: criteria provided, single submitter. Criteria: ACMG Guidelines, 2015. Collection method: clinical testing. Allele origin: de novo. Affected: yes. Observed: 1 variant allele.
Comment: ACMG/AMP criteria applied: PVS1_very strong, PM2_supporting, PM6_moderate.